The following is an entry in ClinVar:

ClinVar aggregate classification (germline): Uncertain significance (1 of 4 stars; one submission).

Submission:

Labcorp Genetics (formerly Invitae), Labcorp
Classification: Uncertain significance. Last evaluated: 2023-10-03. Review status: criteria provided, single submitter. Criteria: Invitae Variant Classification Sherloc (09022015). Collection method: clinical testing. Allele origin: germline.
Comment: This sequence change replaces glutamic acid, which is acidic and polar, with glycine, which is neutral and non-polar, at codon 25 of the ARHGEF10 protein (p.Glu25Gly). This variant is not present in population databases (gnomAD no frequency). This variant has not been reported in the literature in individuals affected with ARHGEF10-related conditions. An algorithm developed to predict the effect of missense changes on protein structure and function (PolyPhen-2) suggests that this variant is likely to be disruptive. In summary, the available evidence is currently insufficient to determine the role of this variant in disease. Therefore, it has been classified as a Variant of Uncertain Significance.

NM_014629.4(ARHGEF10):c.74A>G (p.Glu25Gly)

Gene: ARHGEF10 (Rho guanine nucleotide exchange factor 10; plus strand). Cytogenetic location: 8p23.3.
Variant type: single nucleotide variant.
Coding change: c.74A>G on transcript NM_014629.4 (MANE Select); coding-DNA position 74, A replaced by G.
Protein change: p.Glu25Gly; replaces glutamic acid 25 with glycine.
Molecular consequence: missense variant.
Genome position (GRCh38, 1-based): chr8:1,857,996, A>G. VCF-style: chr8-1857996-A-G. GRCh37 (hg19) VCF-style: chr8-1806162-A-G.
Other names: c.74A>G, p.Glu25Gly (NM_001308152.2, NM_001308153.3); short protein forms E49G, E25G.
Identifiers: ClinVar variation 2839773 (VCV002839773.3), dbSNP rs2536833838, ClinGen allele CA369954822.